The following is an entry in ClinVar:

NM_001080517.3(SETD5):c.388G>A (p.Gly130Ser)

Gene: SETD5 (SET domain containing 5; plus strand). Cytogenetic location: 3p25.3.
Variant type: single nucleotide variant.
Coding change: c.388G>A on transcript NM_001080517.3 (MANE Select); coding-DNA position 388, G replaced by A.
Protein change: p.Gly130Ser; replaces glycine 130 with serine.
Molecular consequence: missense variant.
Genome position (GRCh38, 1-based): chr3:9,434,882, G>A. VCF-style: chr3-9434882-G-A. GRCh37 (hg19) VCF-style: chr3-9476566-G-A.
Other names: c.55G>A, p.Gly19Ser (NM_001292043.2, NM_001349451.2); c.445G>A, p.Gly149Ser (NM_001437633.1, NM_001437635.1); c.388G>A, p.Gly130Ser (NM_001437643.1, NM_001437701.1); short protein forms G130S, G149S, G19S.
Identifiers: ClinVar variation 4082348 (VCV004082348.2).

ClinVar aggregate classification (germline): Likely pathogenic (1 of 4 stars; one submission).

Conditions:
Intellectual disability-facial dysmorphism syndrome due to SETD5 haploinsufficiency (MRD23). Also called: Intellectual developmental disorder, autosomal dominant 23. Identifiers: Orphanet 404440, MedGen C3810406, MONDO:0014336, OMIM 615761.

Submission:

Institute of Human Genetics, University of Leipzig Medical Center
Classification: Likely pathogenic for Intellectual disability-facial dysmorphism syndrome due to SETD5 haploinsufficiency. Last evaluated: 2025-07-24. Review status: criteria provided, single submitter. Criteria: ACMG Guidelines, 2015. Collection method: clinical testing. Allele origin: de novo. Inheritance: Autosomal dominant inheritance. Affected: yes.
Comment: Criteria applied: PS2_MOD,PM2,PP2,PP3